The following is an entry in ClinVar:

ClinVar aggregate classification (germline): Uncertain significance (1 of 4 stars; one submission).

Conditions:
Multiple endocrine neoplasia, type 2 (MEN2). Identifiers: Orphanet 653, MedGen C4048306, MONDO:0019003. Disease mechanism: gain of function.

Submission:

Labcorp Genetics (formerly Invitae), Labcorp
Classification: Uncertain significance for Multiple endocrine neoplasia, type 2. Last evaluated: 2023-07-19. Review status: criteria provided, single submitter. Criteria: Invitae Variant Classification Sherloc (09022015). Collection method: clinical testing. Allele origin: germline.
Comment: This sequence change replaces isoleucine, which is neutral and non-polar, with methionine, which is neutral and non-polar, at codon 602 of the RET protein (p.Ile602Met). This variant is not present in population databases (gnomAD no frequency). This variant has not been reported in the literature in individuals affected with RET-related conditions. An algorithm developed to predict the effect of missense changes on protein structure and function (PolyPhen-2) suggests that this variant is likely to be disruptive. In summary, the available evidence is currently insufficient to determine the role of this variant in disease. Therefore, it has been classified as a Variant of Uncertain Significance.

NM_020975.6(RET):c.1806T>G (p.Ile602Met)

Gene: RET (ret proto-oncogene; plus strand). Cytogenetic location: 10q11.21.
Variant type: single nucleotide variant.
Coding change: c.1806T>G on transcript NM_020975.6 (MANE Select); coding-DNA position 1806, T replaced by G.
Protein change: p.Ile602Met; replaces isoleucine 602 with methionine.
Molecular consequence: missense variant. On other transcripts: intron variant (2).
Genome position (GRCh38, 1-based): chr10:43,113,602, T>G. VCF-style: chr10-43113602-T-G. GRCh37 (hg19) VCF-style: chr10-43609050-T-G.
Other names: c.1806T>G, p.Ile602Met (NM_000323.2, NM_001406743.1, NM_001406744.1 and 6 more transcripts); c.1044T>G, p.Ile348Met (NM_001355216.2); c.1410T>G, p.Ile470Met (NM_001406769.1, NM_001406772.1); c.1518T>G, p.Ile506Met (NM_001406770.1, NM_001406766.1, NM_001406767.1); c.1368T>G, p.Ile456Met (NM_001406771.1, NM_001406773.1); c.1281T>G, p.Ile427Met (NM_001406774.1); c.1080T>G, p.Ile360Met (NM_001406775.1, NM_001406776.1, NM_001406777.1 and 1 more transcripts); c.1677T>G, p.Ile559Met (NM_001406761.1, NM_001406762.1, NM_001406764.1 and 1 more transcripts); and 7 more; short protein forms I272M, I427M, I303M, I348M, I360M, I559M, I119M, I207M.
Identifiers: ClinVar variation 2745296 (VCV002745296.3), dbSNP rs2538481971, ClinGen allele CA376552685.